The following is an entry in ClinVar:

NM_001080414.4(CCDC88C):c.5389C>A (p.Arg1797Ser)

Gene: CCDC88C (coiled-coil domain containing 88C; minus strand). Cytogenetic location: 14q32.11.
Variant type: single nucleotide variant.
Coding change: c.5389C>A on transcript NM_001080414.4 (MANE Select); coding-DNA position 5389, C replaced by A.
Protein change: p.Arg1797Ser; replaces arginine 1797 with serine.
Molecular consequence: missense variant.
Genome position (GRCh38, 1-based): chr14:91,273,323, G>T on the plus strand (C>A on the coding strand, the complement: CCDC88C is on the minus strand). VCF-style: chr14-91273323-G-T. GRCh37 (hg19) VCF-style: chr14-91739667-G-T.
Other names: short protein forms R1797S.
Identifiers: ClinVar variation 1723538 (VCV001723538.2), dbSNP rs1288140881, ClinGen allele CA390609728.

ClinVar aggregate classification (germline): Uncertain significance (1 of 4 stars; one submission).

Submission:

GeneDx
Classification: Uncertain significance. Last evaluated: 2022-05-13. Review status: criteria provided, single submitter. Criteria: GeneDx Variant Classification Process June 2021. Collection method: clinical testing. Allele origin: germline. Affected: yes.
Comment: Not observed at significant frequency in large population cohorts (gnomAD); In silico analysis supports that this missense variant does not alter protein structure/function; Has not been previously published as pathogenic or benign to our knowledge